The following is an entry in ClinVar:

NM_000038.6(APC):c.6791G>C (p.Gly2264Ala)

Gene: APC (APC regulator of Wnt signaling pathway; plus strand). Cytogenetic location: 5q22.2.
Variant type: single nucleotide variant.
Coding change: c.6791G>C on transcript NM_000038.6 (MANE Select); coding-DNA position 6791, G replaced by C.
Protein change: p.Gly2264Ala; replaces glycine 2264 with alanine.
Molecular consequence: missense variant.
Genome position (GRCh38, 1-based): chr5:112,842,385, G>C. VCF-style: chr5-112842385-G-C. GRCh37 (hg19) VCF-style: chr5-112178082-G-C.
Other names: c.6791G>C, p.Gly2264Ala (NM_001127510.3, NM_001354895.2); c.6737G>C, p.Gly2246Ala (NM_001127511.3); c.6845G>C, p.Gly2282Ala (NM_001354896.2); c.6821G>C, p.Gly2274Ala (NM_001354897.2); c.6716G>C, p.Gly2239Ala (NM_001354898.2); c.6707G>C, p.Gly2236Ala (NM_001354899.2); c.6668G>C, p.Gly2223Ala (NM_001354900.2); c.6614G>C, p.Gly2205Ala (NM_001354901.2); and 5 more; short protein forms G2163A, G2223A, G2239A, G2246A, G2138A, G2205A, G2264A, G2282A.
Identifiers: ClinVar variation 936467 (VCV000936467.11), dbSNP rs1377049989, ClinGen allele CA16036164.

ClinVar aggregate classification (germline): Uncertain significance. Review status: criteria provided, multiple submitters, no conflicts (2 of 4 stars). 3 submissions from 3 submitters: Uncertain significance (3). Last evaluated 2024-03-25.

Conditions:
Classic or attenuated familial adenomatous polyposis. Identifiers: MedGen CN372698, MONDO:0021057.
Hereditary cancer-predisposing syndrome. Also called: Tumor predisposition; Hereditary neoplastic syndrome; Hereditary Cancer Syndrome; Neoplastic Syndromes, Hereditary. Identifiers: Orphanet 140162, MedGen C0027672, MeSH D009386, MONDO:0015356.
Familial adenomatous polyposis 1 (FAP1). Also called: POLYPOSIS, ADENOMATOUS INTESTINAL; FAMILIAL ADENOMATOUS POLYPOSIS 1, ATTENUATED. Identifiers: MedGen C2713442, MONDO:0021056, OMIM 175100. Disease mechanism: loss of function.

Allele frequency attached by ClinVar (database versions not stated): gnomAD exomes below 0.00001.
gnomAD v4.1: 4 of 1,614,044 alleles (0.00025%); highest among the groups gnomAD compares: Non-Finnish European, 0.00034%; no homozygotes.

Submissions (3):

Ambry Genetics
Classification: Uncertain significance for Hereditary cancer-predisposing syndrome. Last evaluated: 2024-03-25. Review status: criteria provided, single submitter. Criteria: Ambry Variant Classification Scheme 2023. Collection method: clinical testing. Allele origin: germline.
Comment: The p.G2264A variant (also known as c.6791G>C), located in coding exon 15 of the APC gene, results from a G to C substitution at nucleotide position 6791. The glycine at codon 2264 is replaced by alanine, an amino acid with similar properties. This amino acid position is conserved. In addition, in silico predictors for this gene do not accurately predict pathogenicity. Based on the available evidence, the clinical significance of this alteration remains unclear.

Labcorp Genetics (formerly Invitae), Labcorp
Classification: Uncertain significance for Familial adenomatous polyposis 1. Last evaluated: 2024-02-08. Review status: criteria provided, single submitter. Criteria: Invitae Variant Classification Sherloc (09022015). Collection method: clinical testing. Allele origin: germline.
Comment: This sequence change replaces glycine, which is neutral and non-polar, with alanine, which is neutral and non-polar, at codon 2264 of the APC protein (p.Gly2264Ala). This variant is present in population databases (no rsID available, gnomAD 0.0009%). This variant has not been reported in the literature in individuals affected with APC-related conditions. ClinVar contains an entry for this variant (Variation ID: 936467). Advanced modeling of protein sequence and biophysical properties (such as structural, functional, and spatial information, amino acid conservation, physicochemical variation, residue mobility, and thermodynamic stability) performed at Invitae indicates that this missense variant is not expected to disrupt APC protein function with a negative predictive value of 95%. In summary, the available evidence is currently insufficient to determine the role of this variant in disease. Therefore, it has been classified as a Variant of Uncertain Significance.

All of Us Research Program, National Institutes of Health
Classification: Uncertain significance for Classic or attenuated familial adenomatous polyposis. Last evaluated: 2023-06-26. Review status: criteria provided, single submitter. Criteria: ACMG Guidelines, 2015. Collection method: clinical testing. Allele origin: germline. Inheritance: Autosomal dominant inheritance. Observed: 1 variant allele, 1 heterozygote.
Comment: This missense variant replaces glycine with alanine at codon 2264 of the APC protein. Computational prediction suggests that this variant may not impact protein structure and function (internally defined REVEL score threshold <= 0.5, PMID: 27666373). To our knowledge, functional studies have not been reported for this variant. This variant has not been reported in individuals affected with APC-related disorders in the literature. This variant has been identified in 1/251008 chromosomes in the general population by the Genome Aggregation Database (gnomAD). The available evidence is insufficient to determine the role of this variant in disease conclusively. Therefore, this variant is classified as a Variant of Uncertain Significance.

This study involves interpretation of variants in research participants for the purpose of population health screening. Participant phenotype was not available at the time of variant classification. Additional details can be found in publication PMID: 35346344, PMCID: PMC8962531